The following is an entry in ClinVar:

ClinVar aggregate classification (germline): Uncertain significance. Review status: criteria provided, multiple submitters, no conflicts (2 of 4 stars). 3 submissions from 3 submitters: Uncertain significance (3). Last evaluated 2026-06-29.

Conditions:
Obesity due to SIM1 deficiency. Identifiers: Orphanet 369873, MedGen C5191050, MONDO:0018244.
SIM1-related disorder. Also called: SIM1-related condition; SIM1-related disorders.

Allele frequency attached by ClinVar (database versions not stated): TOPMed 0.00006; ESP Exome Variant Server 0.00008.
gnomAD v4.1: 66 of 1,614,050 alleles (0.0041%); highest among the groups gnomAD compares: East Asian, 0.016%; 1 homozygote.

Submissions (3):

PreventionGenetics, part of Exact Sciences
Classification: Uncertain significance for SIM1-related condition. Last evaluated: 2026-06-29. Review status: criteria provided, single submitter. Criteria: ACMG Guidelines, 2015. Collection method: clinical testing. Allele origin: germline.
Comment: The SIM1 c.2039C>T variant is predicted to result in the amino acid substitution p.Ser680Leu. This variant was reported in an individual with obesity; however, no additional information was provided to assess its pathogenicity (Yu et al. 2023. PubMed ID: 37327085). This variant is reported in 0.0058% of alleles in individuals of Latino descent in gnomAD. At this time, the clinical significance of this variant is uncertain due to the absence of conclusive functional and genetic evidence.

Blueprint Genetics
Classification: Uncertain significance. Last evaluated: 2023-04-05. Review status: criteria provided, single submitter. Criteria: ACMG Guidelines, 2015. Collection method: clinical testing. Allele origin: germline.

Illumina Laboratory Services, Illumina
Classification: Uncertain significance for Obesity due to SIM1 deficiency. Last evaluated: 2018-01-13. Review status: criteria provided, single submitter. Criteria: ICSL Variant Classification Criteria 13 December 2019. Collection method: clinical testing. Allele origin: germline.

NM_005068.3(SIM1):c.2039C>T (p.Ser680Leu)

Gene: SIM1 (SIM bHLH transcription factor 1; minus strand). Cytogenetic location: 6q16.3.
Variant type: single nucleotide variant.
Coding change: c.2039C>T on transcript NM_005068.3 (MANE Select); coding-DNA position 2039, C replaced by T.
Protein change: p.Ser680Leu; replaces serine 680 with leucine.
Molecular consequence: missense variant.
Genome position (GRCh38, 1-based): chr6:100,390,623, G>A on the plus strand (C>T on the coding strand, the complement: SIM1 is on the minus strand). VCF-style: chr6-100390623-G-A. GRCh37 (hg19) VCF-style: chr6-100838499-G-A.
Other names: c.2039C>T, p.Ser680Leu (NM_001374769.1); short protein forms S680L.
Identifiers: ClinVar variation 904717 (VCV000904717.8), dbSNP rs149142065, ClinGen allele CA3936895.
Genomic context (GRCh38, chr6:100,390,623, plus strand): 5'-CCAAAGCAGTTTGGAGAGACAGTAGGGTGGTCTCCTGCTGTCTGATGAGGAGATATATCC[G>A]AATGCAGATAGTCTTTAGCTAGGATCAAACTGGATTTTGAAATGCGATCCGAATTGGGAC-3'
Protein context (NP_005059.2, residues 670-690): SLILAKDYLH[Ser680Leu]DISPHQTAGD